The following is an entry in ClinVar:

ClinVar aggregate classification (germline): Uncertain significance. Review status: criteria provided, multiple submitters, no conflicts (2 of 4 stars). 3 submissions from 3 submitters: Uncertain significance (3). Last evaluated 2025-03-11.

Conditions:
Hereditary cancer-predisposing syndrome. Also called: Neoplastic Syndromes, Hereditary; Tumor predisposition; Hereditary Cancer Syndrome; Hereditary neoplastic syndrome. Identifiers: Orphanet 140162, MedGen C0027672, MeSH D009386, MONDO:0015356.

Allele frequency attached by ClinVar (database versions not stated): gnomAD exomes below 0.00001; TOPMed below 0.00001.
gnomAD v4.1: 1 of 1,613,474 alleles (0.000062%); highest among the groups gnomAD compares: Non-Finnish European, 0.000085%; no homozygotes.

Submissions (3):

Ambry Genetics
Classification: Uncertain significance for Hereditary cancer-predisposing syndrome. Last evaluated: 2025-03-11. Review status: criteria provided, single submitter. Criteria: Ambry Variant Classification Scheme 2023. Collection method: clinical testing. Allele origin: germline.
Comment: The p.N271S variant (also known as c.812A>G), located in coding exon 5 of the MSH3 gene, results from an A to G substitution at nucleotide position 812. The asparagine at codon 271 is replaced by serine, an amino acid with highly similar properties. This amino acid position is highly conserved in available vertebrate species. In addition, this alteration is predicted to be tolerated by in silico analysis. Based on the available evidence, the clinical significance of this variant remains unclear.

GeneDx
Classification: Uncertain significance. Last evaluated: 2024-12-03. Review status: criteria provided, single submitter. Criteria: GeneDx Variant Classification Process June 2021. Collection method: clinical testing. Allele origin: germline. Affected: yes.
Comment: Not observed at significant frequency in large population cohorts (gnomAD); In silico analysis indicates that this missense variant does not alter protein structure/function; Has not been previously published as pathogenic or benign to our knowledge

Labcorp Genetics (formerly Invitae), Labcorp
Classification: Uncertain significance. Last evaluated: 2022-10-07. Review status: criteria provided, single submitter. Criteria: Invitae Variant Classification Sherloc (09022015). Collection method: clinical testing. Allele origin: germline.
Comment: In summary, the available evidence is currently insufficient to determine the role of this variant in disease. Therefore, it has been classified as a Variant of Uncertain Significance. This sequence change replaces asparagine, which is neutral and polar, with serine, which is neutral and polar, at codon 271 of the MSH3 protein (p.Asn271Ser). This variant is not present in population databases (gnomAD no frequency). This variant has not been reported in the literature in individuals affected with MSH3-related conditions. Algorithms developed to predict the effect of missense changes on protein structure and function are either unavailable or do not agree on the potential impact of this missense change (SIFT: "Deleterious"; PolyPhen-2: "Probably Damaging"; Align-GVGD: "Class C0").

NM_002439.5(MSH3):c.812A>G (p.Asn271Ser)

Gene: MSH3 (mutS homolog 3; plus strand). Cytogenetic location: 5q14.1.
Variant type: single nucleotide variant.
Coding change: c.812A>G on transcript NM_002439.5 (MANE Select); coding-DNA position 812, A replaced by G.
Protein change: p.Asn271Ser; replaces asparagine 271 with serine.
Molecular consequence: missense variant.
Genome position (GRCh38, 1-based): chr5:80,672,263, A>G. VCF-style: chr5-80672263-A-G. GRCh37 (hg19) VCF-style: chr5-79968082-A-G.
Other names: c.812A>G (NM_002439.4); short protein forms N271S.
Identifiers: ClinVar variation 1762111 (VCV001762111.9), dbSNP rs1749739799, ClinGen allele CA360267087.
Genomic context (GRCh38, chr5:80,672,263, plus strand): 5'-AAAATATAAATTTATTGATATTTTCTTTTTTCATTTTTTAGATTGCAGCCCGAGAGCTCA[A>G]TATTTATTGCCATTTAGATCACAACTTTATGACAGCAAGTATACCTACTCACAGACTGTT-3'
Protein context (NP_002430.3, residues 261-281): EDAEIAAREL[Asn271Ser]IYCHLDHNFM